The following is an entry in ClinVar:

NM_004260.4(RECQL4):c.1459C>T (p.Arg487Cys)

Gene: RECQL4 (RecQ like helicase 4; minus strand). Cytogenetic location: 8q24.3.
Variant type: single nucleotide variant.
Coding change: c.1459C>T on transcript NM_004260.4 (MANE Select); coding-DNA position 1459, C replaced by T.
Protein change: p.Arg487Cys; replaces arginine 487 with cysteine.
Molecular consequence: missense variant.
Genome position (GRCh38, 1-based): chr8:144,515,174, G>A on the plus strand (C>T on the coding strand, the complement: RECQL4 is on the minus strand). VCF-style: chr8-144515174-G-A. GRCh37 (hg19) VCF-style: chr8-145740558-G-A.
Other names: short protein forms R487C.
Identifiers: ClinVar variation 948997 (VCV000948997.5), dbSNP rs762386238, ClinGen allele CA4948853.

ClinVar aggregate classification (germline): Uncertain significance (1 of 4 stars; one submission).

Conditions:
Baller-Gerold syndrome (BGS). Also called: CRANIOSYNOSTOSIS WITH RADIAL DEFECTS. Identifiers: Orphanet 1225, MedGen C0265308, MONDO:0009039, OMIM 218600.

Allele frequency attached by ClinVar (database versions not stated): gnomAD exomes 0.00001 and 0.00002; ExAC 0.00004.
gnomAD v4.1: 8 of 1,565,740 alleles (0.00051%); highest among the groups gnomAD compares: Admixed American, 0.0019%; no homozygotes.

Submission:

Labcorp Genetics (formerly Invitae), Labcorp
Classification: Uncertain significance for Baller-Gerold syndrome. Last evaluated: 2024-03-14. Review status: criteria provided, single submitter. Criteria: Invitae Variant Classification Sherloc (09022015). Collection method: clinical testing. Allele origin: germline.
Comment: This sequence change replaces arginine, which is basic and polar, with cysteine, which is neutral and slightly polar, at codon 487 of the RECQL4 protein (p.Arg487Cys). This variant is present in population databases (rs762386238, gnomAD 0.004%). This variant has not been reported in the literature in individuals affected with RECQL4-related conditions. ClinVar contains an entry for this variant (Variation ID: 948997). Advanced modeling of protein sequence and biophysical properties (such as structural, functional, and spatial information, amino acid conservation, physicochemical variation, residue mobility, and thermodynamic stability) performed at Invitae indicates that this missense variant is not expected to disrupt RECQL4 protein function with a negative predictive value of 80%. In summary, the available evidence is currently insufficient to determine the role of this variant in disease. Therefore, it has been classified as a Variant of Uncertain Significance.